The following is an entry in ClinVar:

NM_015346.4(ZFYVE26):c.5518C>T (p.Arg1840Trp)

Gene: ZFYVE26 (zinc finger FYVE-type containing 26; minus strand). Cytogenetic location: 14q24.1.
Variant type: single nucleotide variant.
Coding change: c.5518C>T on transcript NM_015346.4 (MANE Select); coding-DNA position 5518, C replaced by T.
Protein change: p.Arg1840Trp; replaces arginine 1840 with tryptophan.
Molecular consequence: missense variant.
Genome position (GRCh38, 1-based): chr14:67,769,697, G>A on the plus strand (C>T on the coding strand, the complement: ZFYVE26 is on the minus strand). VCF-style: chr14-67769697-G-A. GRCh37 (hg19) VCF-style: chr14-68236414-G-A.
Other names: short protein forms R1840W.
Identifiers: ClinVar variation 288591 (VCV000288591.8), dbSNP rs761008228, ClinGen allele CA7239469.

ClinVar aggregate classification (germline): Uncertain significance. Review status: criteria provided, multiple submitters, no conflicts (2 of 4 stars). 3 submissions from 3 submitters: Uncertain significance (3). Last evaluated 2024-01-12.

Conditions:
Spastic paraplegia. Identifiers: MedGen C0037772, HP:0001258.

Allele frequency attached by ClinVar (database versions not stated): ExAC 0.00001; gnomAD 0.00001; gnomAD exomes 0.00001 and 0.00002; TOPMed 0.00001.
gnomAD v4.1: 19 of 1,613,974 alleles (0.0012%); highest among the groups gnomAD compares: South Asian, 0.0055%; no homozygotes.

Submissions (3):

Blueprint Genetics
Classification: Uncertain significance. Last evaluated: 2024-01-12. Review status: criteria provided, single submitter. Criteria: ACMG Guidelines, 2015. Collection method: clinical testing. Allele origin: germline.

Labcorp Genetics (formerly Invitae), Labcorp
Classification: Uncertain significance for Spastic paraplegia. Last evaluated: 2021-08-26. Review status: criteria provided, single submitter. Criteria: Invitae Variant Classification Sherloc (09022015). Collection method: clinical testing. Allele origin: germline.
Comment: This sequence change replaces arginine with tryptophan at codon 1840 of the ZFYVE26 protein (p.Arg1840Trp). The arginine residue is highly conserved and there is a moderate physicochemical difference between arginine and tryptophan. This variant is present in population databases (rs761008228, ExAC 0.006%). This variant has not been reported in the literature in individuals affected with ZFYVE26-related conditions. ClinVar contains an entry for this variant (Variation ID: 288591). Algorithms developed to predict the effect of missense changes on protein structure and function are either unavailable or do not agree on the potential impact of this missense change (SIFT: "Deleterious"; PolyPhen-2: "Probably Damaging"; Align-GVGD: "Class C0"). In summary, the available evidence is currently insufficient to determine the role of this variant in disease. Therefore, it has been classified as a Variant of Uncertain Significance.

Eurofins Ntd Llc (ga)
Classification: Uncertain significance. Last evaluated: 2016-06-17. Review status: criteria provided, single submitter. Criteria: EGL Classification Definitions 2015. Collection method: clinical testing. Allele origin: germline. Observed: 1 variant allele, 1 heterozygote.